The following is an entry in ClinVar:

ClinVar aggregate classification (germline): Conflicting classifications of pathogenicity. Review status: criteria provided, conflicting classifications (1 of 4 stars). 4 submissions from 4 submitters: Uncertain significance (3); Likely benign (1). Last evaluated 2026-01-13.

Conditions:
Holocarboxylase synthetase deficiency. Also called: MULTIPLE CARBOXYLASE DEFICIENCY, EARLY ONSET. Identifiers: Orphanet 79242, MedGen C0268581, MONDO:0009666, OMIM 253270.
Inborn genetic diseases. Identifiers: MedGen C0950123, MeSH D030342.

Allele frequency attached by ClinVar (database versions not stated): gnomAD 0.00004 and 0.00005; TOPMed 0.00006; gnomAD exomes 0.00012 and 0.00014; ExAC 0.00013.
gnomAD v4.1: 177 of 1,613,978 alleles (0.011%); highest among the groups gnomAD compares: Middle Eastern, 0.066%; 1 homozygote.

Submissions (4):

Labcorp Genetics (formerly Invitae), Labcorp
Classification: Likely benign for Holocarboxylase synthetase deficiency. Last evaluated: 2026-01-13. Review status: criteria provided, single submitter. Criteria: Invitae Variant Classification Sherloc (09022015). Collection method: clinical testing. Allele origin: germline.

Ambry Genetics
Classification: Uncertain significance for Inborn genetic diseases. Last evaluated: 2025-03-19. Review status: criteria provided, single submitter. Criteria: Ambry Variant Classification Scheme 2023. Collection method: clinical testing. Allele origin: germline.

GeneDx
Classification: Uncertain significance. Last evaluated: 2024-09-26. Review status: criteria provided, single submitter. Criteria: GeneDx Variant Classification Process June 2021. Collection method: clinical testing. Allele origin: germline. Affected: yes.
Comment: In silico analysis supports that this missense variant has a deleterious effect on protein structure/function; Has not been previously published as pathogenic or benign to our knowledge

Illumina Laboratory Services, Illumina
Classification: Uncertain significance for Holocarboxylase synthetase deficiency. Last evaluated: 2018-01-13. Review status: criteria provided, single submitter. Criteria: ICSL Variant Classification Criteria 13 December 2019. Collection method: clinical testing. Allele origin: germline.

NM_001352514.2(HLCS):c.574C>G (p.Pro192Ala)

Gene: HLCS (holocarboxylase synthetase; minus strand). Cytogenetic location: 21q22.13.
Variant type: single nucleotide variant.
Coding change: c.574C>G on transcript NM_001352514.2 (MANE Select); coding-DNA position 574, C replaced by G.
Protein change: p.Pro192Ala; replaces proline 192 with alanine.
Molecular consequence: missense variant. On other transcripts: non-coding transcript variant (2).
Genome position (GRCh38, 1-based): chr21:36,937,312, G>C on the plus strand (C>G on the coding strand, the complement: HLCS is on the minus strand). VCF-style: chr21-36937312-G-C. GRCh37 (hg19) VCF-style: chr21-38309612-G-C.
Other names: c.133C>G, p.Pro45Ala (NM_000411.8, NM_001242784.3, NM_001242785.2 and 4 more transcripts); short protein forms P192A, P45A.
Identifiers: ClinVar variation 895132 (VCV000895132.17), dbSNP rs200950813, ClinGen allele CA10020732.
Genomic context (GRCh38, chr21:36,937,312, plus strand): 5'-CATCTCTGCCAACATGCTCCATACCGTCCTGCTCAGGCTTAATCTCAAGAGAAGGTTCAG[G>C]CTTCGGCTCTAGGATCTGGGCTTGCTTGTTTGAGACCTGATCCTTAACTTCCTTCAGAGT-3'
Protein context (NP_001339443.1, residues 182-202): NKQAQILEPK[Pro192Ala]EPSLEIKPEQ